The following is an entry in ClinVar:

ClinVar aggregate classification (germline): Uncertain significance (1 of 4 stars; one submission).

Allele frequency attached by ClinVar (database versions not stated): gnomAD exomes below 0.00001; ExAC 0.00001; gnomAD 0.00001; TOPMed 0.00002.
gnomAD v4.1: 4 of 1,605,026 alleles (0.00025%); highest among the groups gnomAD compares: African/African-American, 0.0055%; no homozygotes.

Submission:

GeneDx
Classification: Uncertain significance. Last evaluated: 2023-02-17. Review status: criteria provided, single submitter. Criteria: GeneDx Variant Classification Process June 2021. Collection method: clinical testing. Allele origin: germline. Affected: yes.
Comment: In silico analysis supports that this missense variant does not alter protein structure/function; Has not been previously published as pathogenic or benign to our knowledge

NM_006147.4(IRF6):c.166A>G (p.Ile56Val)

Gene: IRF6 (interferon regulatory factor 6; minus strand). Cytogenetic location: 1q32.2.
Variant type: single nucleotide variant.
Coding change: c.166A>G on transcript NM_006147.4 (MANE Select); coding-DNA position 166, A replaced by G.
Protein change: p.Ile56Val; replaces isoleucine 56 with valine.
Molecular consequence: missense variant. On other transcripts: intron variant (1).
Genome position (GRCh38, 1-based): chr1:209,801,248, T>C on the plus strand (A>G on the coding strand, the complement: IRF6 is on the minus strand). VCF-style: chr1-209801248-T-C. GRCh37 (hg19) VCF-style: chr1-209974593-T-C.
Other names: c.-111-4696A>G (NM_001206696.2); short protein forms I56V.
Identifiers: ClinVar variation 2576661 (VCV002576661.1), dbSNP rs769172583, ClinGen allele CA1377394.